The following is an entry in ClinVar:

ClinVar aggregate classification (germline): Uncertain significance (1 of 4 stars; one submission).

Submission:

GeneDx
Classification: Uncertain significance. Last evaluated: 2022-05-18. Review status: criteria provided, single submitter. Criteria: GeneDx Variant Classification Process June 2021. Collection method: clinical testing. Allele origin: germline. Affected: yes.
Comment: Not observed at significant frequency in large population cohorts (gnomAD); In silico analysis supports that this missense variant has a deleterious effect on protein structure/function; Has not been previously published as pathogenic or benign to our knowledge

NM_001374828.1(ARID1B):c.6677C>T (p.Pro2226Leu)

Gene: ARID1B (AT-rich interaction domain 1B; plus strand). Cytogenetic location: 6q25.3.
Variant type: single nucleotide variant.
Coding change: c.6677C>T on transcript NM_001374828.1 (MANE Select); coding-DNA position 6677, C replaced by T.
Protein change: p.Pro2226Leu; replaces proline 2226 with leucine.
Molecular consequence: missense variant.
Genome position (GRCh38, 1-based): chr6:157,207,449, C>T. VCF-style: chr6-157207449-C-T. GRCh37 (hg19) VCF-style: chr6-157528583-C-T.
Other names: c.6428C>T, p.Pro2143Leu (NM_001346813.1); c.4178C>T, p.Pro1393Leu (NM_001363725.2); c.6557C>T, p.Pro2186Leu (NM_001371656.1, NM_001374820.1); c.6518C>T, p.Pro2173Leu (NM_017519.3); c.6308C>T, p.Pro2103Leu (NM_020732.3); c.6095C>T, p.Pro2032Leu (NM_175863.2); short protein forms P1393L, P2032L, P2103L, P2143L, P2173L, P2186L, P2226L.
Identifiers: ClinVar variation 1800650 (VCV001800650.1), dbSNP rs2128398067, ClinGen allele CA366248813.